The following is an entry in ClinVar:

NM_022124.6(CDH23):c.7580C>A (p.Ser2527Ter)

Gene: CDH23 (cadherin related 23; plus strand). Cytogenetic location: 10q22.1.
Variant type: single nucleotide variant.
Coding change: c.7580C>A on transcript NM_022124.6 (MANE Select); coding-DNA position 7580, C replaced by A.
Protein change: p.Ser2527Ter; replaces serine 2527 with a stop codon.
Molecular consequence: nonsense.
Genome position (GRCh38, 1-based): chr10:71,802,995, C>A. VCF-style: chr10-71802995-C-A. GRCh37 (hg19) VCF-style: chr10-73562752-C-A.
Other names: c.860C>A, p.Ser287Ter (NM_001171934.1, NM_001171933.1); short protein forms S2527*, S287*.
Identifiers: ClinVar variation 2856073 (VCV002856073.3), dbSNP rs779975231, ClinGen allele CA377160696.
Genomic context (GRCh38, chr10:71,802,995, plus strand): 5'-CACAGTTCTCCAAGCCCCAGTTCAGCACAAGCGTGTATGAGAATGAGCCGGCGGGCACCT[C>A]GGTCATCACCATGATGGCCACTGACCAGGATGAAGGTCCCAATGGAGAGTTGACCTACTC-3'

ClinVar aggregate classification (germline): Pathogenic (1 of 4 stars; one submission).

Submission:

Labcorp Genetics (formerly Invitae), Labcorp
Classification: Pathogenic. Last evaluated: 2023-04-14. Review status: criteria provided, single submitter. Criteria: Invitae Variant Classification Sherloc (09022015). Collection method: clinical testing. Allele origin: germline.
Comment: This sequence change creates a premature translational stop signal (p.Ser2527*) in the CDH23 gene. It is expected to result in an absent or disrupted protein product. Loss-of-function variants in CDH23 are known to be pathogenic (PMID: 11138009, 21940737). This variant is not present in population databases (gnomAD no frequency). This variant has not been reported in the literature in individuals affected with CDH23-related conditions. For these reasons, this variant has been classified as Pathogenic.

Literature cited by the submitters: PubMed 11138009; PubMed 21940737.